The following is an entry in ClinVar:

ClinVar aggregate classification (germline): Uncertain significance (1 of 4 stars; one submission).

Conditions:
PKD1L1-related disorder. Also called: PKD1L1-related condition.

Submission:

PreventionGenetics, part of Exact Sciences
Classification: Uncertain significance for PKD1L1-related condition. Last evaluated: 2026-05-15. Review status: criteria provided, single submitter. Criteria: ACMG Guidelines, 2015. Collection method: clinical testing. Allele origin: germline.
Comment: The PKD1L1 c.2277G>T variant is predicted to result in the amino acid substitution p.Gln759His. To our knowledge, this variant has not been reported in the literature or in a large population database (gnomAD), indicating this variant is rare. At this time, the clinical significance of this variant is uncertain due to the absence of conclusive functional and genetic evidence.

NM_138295.5(PKD1L1):c.2277G>T (p.Gln759His)

Gene: PKD1L1 (polycystin 1 like 1, transient receptor potential channel interacting; minus strand). Cytogenetic location: 7p12.3.
Variant type: single nucleotide variant.
Coding change: c.2277G>T on transcript NM_138295.5 (MANE Select); coding-DNA position 2277, G replaced by T.
Protein change: p.Gln759His; replaces glutamine 759 with histidine.
Molecular consequence: missense variant.
Genome position (GRCh38, 1-based): chr7:47,894,054, C>A on the plus strand (G>T on the coding strand, the complement: PKD1L1 is on the minus strand). VCF-style: chr7-47894054-C-A. GRCh37 (hg19) VCF-style: chr7-47933651-C-A.
Other names: short protein forms Q759H.
Identifiers: ClinVar variation 4996353 (VCV004996353.1).